The following continues an entry in ClinVar:

NM_000051.4(ATM):c.2921+1G>T

Gene: ATM. ClinVar aggregate classification (germline): Pathogenic/Likely pathogenic. Pathogenic (9); Likely pathogenic (4).

Submissions 10 to 14 of 14:

Baylor Genetics
Classification: Likely pathogenic for Familial cancer of breast. Last evaluated: 2021-10-09. Review status: criteria provided, single submitter. Criteria: ACMG Guidelines, 2015. Collection method: clinical testing. Allele origin: unknown.

Spanish ATM Cancer Susceptibility Variant Interpretation Working Group
Classification: Pathogenic for Hereditary cancer-predisposing syndrome. Last evaluated: 2020-06-17. Review status: criteria provided, single submitter. Criteria: Feliubadaló L et al. (Clin Chem 2021). Collection method: clinical testing. Allele origin: germline. Affected: yes. Observed: 1 heterozygote.
Comment: The c.2921+1G>T variant is located in the canonical donor splice site of intron 19, and it is predicted to cause the skipping of exon 19 and disruption of the reading frame, and to undergo nonsense mediated decay (NMD) (PVS1). It is absent from the gnomAD v2.1.1 non-cancer dataset, in a position with adequate coverage (>20x) (PM2). There is a pathogenic variant (c.2921+1G>A) in the same position, and the in silico splicing algorithm SPiCE predicts the same impact for both variants (PS1_Supporting). Therefore, this variant meets criteria to be classified as pathogenic. Adapted ACMG/AMP rules applied as defined by the Spanish ATM working group: PVS1 + PM2 + PS1_Supporting (PMID: 33280026).

GeneDx
Classification: Pathogenic. Last evaluated: 2020-01-24. Review status: criteria provided, single submitter. Criteria: GeneDx Variant Classification Process June 2021. Collection method: clinical testing. Allele origin: germline. Affected: yes.
Comment: Canonical splice site variant in a gene for which loss-of-function is a known mechanism of disease; Not observed in large population cohorts (Lek 2016); This variant is associated with the following publications: (PMID: 29478780, 28152038)

Genomic Research Center, Shahid Beheshti University of Medical Sciences
Classification: Pathogenic for Ataxia-telangiectasia syndrome. Last evaluated: 2017-12-03. Review status: criteria provided, single submitter. Criteria: ACMG Guidelines, 2015. Collection method: clinical testing. Allele origin: inherited. Affected: yes.

Immunology, Asthma and Allergy Research Institute, Tehran University of Medical Sciences
Classification: Pathogenic for Ataxia-telangiectasia syndrome. Review status: no assertion criteria provided. Collection method: research. Allele origin: inherited. Affected: yes. Not counted in ClinVar's aggregate classification.

Literature cited by the submitters: PubMed 8845835 (cited by Labcorp Genetics (formerly Invitae), Labcorp and Ambry Genetics); PubMed 11298136 (cited by 4 submitters); PubMed 29478780 (cited by 4 submitters); PubMed 10425038 (cited by Ambry Genetics and Sema4); PubMed 12815592 (cited by Ambry Genetics and Sema4); PubMed 34686943 (cited by Natera, Inc.); PubMed 34308104 (cited by Women's Health and Genetics/Laboratory Corporation of America, LabCorp); PubMed 34204722 (cited by Color Diagnostics, LLC DBA Color Health and Sema4); PubMed 33280026 (cited by Sema4); PubMed 31050087 (cited by Sema4); PubMed 23322442 (cited by Sema4).